The following is an entry in ClinVar:

ClinVar aggregate classification (germline): Uncertain significance (1 of 4 stars; one submission).

Conditions:
Idiopathic Pulmonary Fibrosis. Also called: Idiopathic fibrosing alveolitis, chronic form; idiopathic fibrosing alveolitis. Identifiers: Orphanet 2032, MedGen C1800706, MeSH D054990, MONDO:0800504.
Dyskeratosis congenita, autosomal dominant 2. Identifiers: MedGen C3151443, MONDO:0013521, OMIM 613989.

Submission:

Labcorp Genetics (formerly Invitae), Labcorp
Classification: Uncertain significance for Dyskeratosis congenita, autosomal dominant 2; Idiopathic Pulmonary Fibrosis. Last evaluated: 2023-12-08. Review status: criteria provided, single submitter. Criteria: Invitae Variant Classification Sherloc (09022015). Collection method: clinical testing. Allele origin: unknown.
Comment: This variant results in a copy number gain of the genomic region encompassing exon(s) 7-16 of the TERT gene. This region includes the termination codon of the gene. This copy number gain extends beyond the assayed region for this gene and therefore may encompass additional genes. As the precise location of this event is unknown, it may be in tandem or it may be located elsewhere in the genome. This variant has not been reported in the literature in individuals affected with TERT-related conditions. Experimental studies and prediction algorithms are not available or were not evaluated, and the functional significance of this variant is currently unknown. In summary, the available evidence is currently insufficient to determine the role of this variant in disease. Therefore, it has been classified as a Variant of Uncertain Significance.

NC_000005.9:g.(?_893114)_(1272415_?)dup

Genes: NKD2 (NKD inhibitor of Wnt signaling pathway 2; plus strand), SLC12A7 (solute carrier family 12 member 7; minus strand), SLC6A18 (solute carrier family 6 member 18; plus strand), SLC6A19 (solute carrier family 6 member 19; plus strand), TERT (telomerase reverse transcriptase; minus strand) and 1 more. Cytogenetic location: 5p15.33.
Variant type: Duplication.
Identifiers: ClinVar variation 3246402 (VCV003246402.1).